The following is an entry in ClinVar:

ClinVar aggregate classification (germline): Uncertain significance (1 of 4 stars; one submission).

Conditions:
Distal arthrogryposis type 5D (DA5D). Identifiers: Orphanet 329457, MedGen C3554415, MONDO:0014028, OMIM 615065.

gnomAD v4.1: 6 of 1,605,180 alleles (0.00037%); highest among the groups gnomAD compares: South Asian, 0.0033%; no homozygotes.

Submission:

Suma Genomics
Classification: Uncertain significance for Distal arthrogryposis type 5D. Last evaluated: 2026-09-08. Review status: criteria provided, single submitter. Criteria: ACMG Guidelines, 2015. Collection method: clinical testing. Allele origin: germline. Inheritance: Autosomal recessive inheritance. Affected: yes. Observed: 1 variant allele, 1 homozygote.
Comment: This variant is observed in six individuals in the gnomAD database in heterozygous state. In-silico analysis tool SpliceAI predicts this variant in ECEL1 to cause aberrant splicing. Biallelic loss-of-function variants in ECEL1 are associated with Arthrogryposis, distal, type 5D (MIM# 615065). ACMG classification: Variant of uncertain signifcance Criteria met: PM2_Suppoting: Extremely low frequency in gnomAD population databases PP3_Moderate: For a splicing region variant, computational prediction tools unanimously support a deleterious effect on the gene

NM_004826.4(ECEL1):c.1185-9G>A

Gene: ECEL1 (endothelin converting enzyme like 1; minus strand). Cytogenetic location: 2q37.1.
Variant type: single nucleotide variant.
Coding change: c.1185-9G>A on transcript NM_004826.4 (MANE Select); 9 bases into the intron before coding-DNA position 1185, G replaced by A.
Molecular consequence: intron variant.
Genome position (GRCh38, 1-based): chr2:232,484,232, C>T on the plus strand (G>A on the coding strand, the complement: ECEL1 is on the minus strand). VCF-style: chr2-232484232-C-T. GRCh37 (hg19) VCF-style: chr2-233348942-C-T.
Other names: c.1185-9G>A (NM_001290787.2).
Identifiers: ClinVar variation 5016504 (VCV005016504.1).